The following is an entry in ClinVar:

ClinVar aggregate classification (germline): Conflicting classifications of pathogenicity. Review status: criteria provided, conflicting classifications (1 of 4 stars). 2 submissions from 2 submitters: Uncertain significance (1); Likely benign (1). Last evaluated 2024-03-27.

Conditions:
Inborn genetic diseases. Identifiers: MedGen C0950123, MeSH D030342.
Kleefstra syndrome 1 (KLEFS1). Identifiers: Orphanet 261494, MedGen C0795833, MONDO:0027407, OMIM 610253.

Allele frequency attached by ClinVar (database versions not stated): ExAC 0.00001; gnomAD 0.00001; TOPMed 0.00001.

Submissions (2):

Labcorp Genetics (formerly Invitae), Labcorp
Classification: Likely benign for Kleefstra syndrome 1. Last evaluated: 2024-03-27. Review status: criteria provided, single submitter. Criteria: Invitae Variant Classification Sherloc (09022015). Collection method: clinical testing. Allele origin: germline.

Ambry Genetics
Classification: Uncertain significance for Inborn genetic diseases. Last evaluated: 2018-07-12. Review status: criteria provided, single submitter. Criteria: Ambry Variant Classification Scheme 2023. Collection method: clinical testing. Allele origin: germline.
Comment: The p.G405R variant (also known as c.1213G>A), located in coding exon 7 of the EHMT1 gene, results from a G to A substitution at nucleotide position 1213. The glycine at codon 405 is replaced by arginine, an amino acid with dissimilar properties. This variant did not co-segregate with disease in multiple individuals tested in our laboratory. This amino acid position is not well conserved in available vertebrate species. In addition, this alteration is predicted to be tolerated by in silico analysis. Since supporting evidence is limited at this time, the clinical significance of this alteration remains unclear.

NM_024757.5(EHMT1):c.1213G>A (p.Gly405Arg)

Gene: EHMT1 (euchromatic histone lysine methyltransferase 1; plus strand). Cytogenetic location: 9q34.3.
Variant type: single nucleotide variant.
Coding change: c.1213G>A on transcript NM_024757.5 (MANE Select); coding-DNA position 1213, G replaced by A.
Protein change: p.Gly405Arg; replaces glycine 405 with arginine.
Molecular consequence: missense variant.
Genome position (GRCh38, 1-based): chr9:137,752,373, G>A. VCF-style: chr9-137752373-G-A. GRCh37 (hg19) VCF-style: chr9-140646825-G-A.
Other names: c.1213G>A, p.Gly405Arg (NM_001145527.2, NM_001354611.2); c.1120G>A, p.Gly374Arg (NM_001354259.2, NM_001354612.2); c.1192G>A, p.Gly398Arg (NM_001354263.2); short protein forms G398R, G405R, G374R.
Identifiers: ClinVar variation 946590 (VCV000946590.12), dbSNP rs766828352, ClinGen allele CA5374539.